The following is an entry in ClinVar:

ClinVar aggregate classification (germline): Uncertain significance (1 of 4 stars; one submission).

Submission:

GeneDx
Classification: Uncertain significance. Last evaluated: 2024-07-16. Review status: criteria provided, single submitter. Criteria: GeneDx Variant Classification Process June 2021. Collection method: clinical testing. Allele origin: germline. Affected: yes.
Comment: Not observed at significant frequency in large population cohorts (gnomAD); In silico analysis indicates that this missense variant does not alter protein structure/function; Has not been previously published as pathogenic or benign to our knowledge

NM_017757.3(ZNF407):c.6412T>C (p.Ser2138Pro)

Gene: ZNF407 (zinc finger protein 407; plus strand). Cytogenetic location: 18q22.3.
Variant type: single nucleotide variant.
Coding change: c.6412T>C on transcript NM_017757.3 (MANE Select); coding-DNA position 6412, T replaced by C.
Protein change: p.Ser2138Pro; replaces serine 2138 with proline.
Molecular consequence: missense variant.
Genome position (GRCh38, 1-based): chr18:75,064,133, T>C. VCF-style: chr18-75064133-T-C. GRCh37 (hg19) VCF-style: chr18-72776089-T-C.
Other names: c.6412T>C, p.Ser2138Pro (NM_001384475.1); short protein forms S2138P.
Identifiers: ClinVar variation 3573667 (VCV003573667.1).